The following is an entry in ClinVar:

ClinVar aggregate classification (germline): Uncertain significance (1 of 4 stars; one submission).

Conditions:
Charcot-Marie-Tooth disease axonal type 2O. Also called: CHARCOT-MARIE-TOOTH NEUROPATHY, AXONAL, TYPE 2O; CHARCOT-MARIE-TOOTH DISEASE, AXONAL, AUTOSOMAL DOMINANT, TYPE 2O; Charcot-Marie-Tooth Neuropathy Type 2O; Charcot-Marie-Tooth disease, axonal, type 20. Identifiers: Orphanet 284232, MedGen C3280220, MONDO:0013644, OMIM 614228.

Submission:

Labcorp Genetics (formerly Invitae), Labcorp
Classification: Uncertain significance for Charcot-Marie-Tooth disease axonal type 2O. Last evaluated: 2023-03-03. Review status: criteria provided, single submitter. Criteria: Invitae Variant Classification Sherloc (09022015). Collection method: clinical testing. Allele origin: germline.
Comment: In summary, the available evidence is currently insufficient to determine the role of this variant in disease. Therefore, it has been classified as a Variant of Uncertain Significance. Advanced modeling of protein sequence and biophysical properties (such as structural, functional, and spatial information, amino acid conservation, physicochemical variation, residue mobility, and thermodynamic stability) performed at Invitae indicates that this missense variant is not expected to disrupt DYNC1H1 protein function. This variant has not been reported in the literature in individuals affected with DYNC1H1-related conditions. This variant is not present in population databases (gnomAD no frequency). This sequence change replaces threonine, which is neutral and polar, with proline, which is neutral and non-polar, at codon 2745 of the DYNC1H1 protein (p.Thr2745Pro).

NM_001376.5(DYNC1H1):c.8233A>C (p.Thr2745Pro)

Gene: DYNC1H1 (dynein cytoplasmic 1 heavy chain 1; plus strand). Cytogenetic location: 14q32.31.
Variant type: single nucleotide variant.
Coding change: c.8233A>C on transcript NM_001376.5 (MANE Select); coding-DNA position 8233, A replaced by C.
Protein change: p.Thr2745Pro; replaces threonine 2745 with proline.
Molecular consequence: missense variant.
Genome position (GRCh38, 1-based): chr14:102,018,506, A>C. VCF-style: chr14-102018506-A-C. GRCh37 (hg19) VCF-style: chr14-102484843-A-C.
Other names: short protein forms T2745P.
Identifiers: ClinVar variation 2842205 (VCV002842205.3), dbSNP rs2503777365, ClinGen allele CA391005424.